The following is an entry in ClinVar:

ClinVar aggregate classification (germline): Uncertain significance. Review status: criteria provided, multiple submitters, no conflicts (2 of 4 stars). 2 submissions from 2 submitters: Uncertain significance (2). Last evaluated 2025-06-22.

Conditions:
Emery-Dreifuss muscular dystrophy 4, autosomal dominant (EDMD4). Also called: EMERY-DREIFUSS MUSCULAR DYSTROPHY 4 WITH VARIABLE FEATURES. Identifiers: Orphanet 261, MedGen C2751807, MONDO:0013071, OMIM 612998.
Autosomal recessive ataxia, Beauce type. Also called: SYNE1 Deficiency; Spinocerebellar ataxia, autosomal recessive 8; ATAXIA, RECESSIVE, OF BEAUCE; SYNE1-Related Autosomal Recessive Cerebellar Ataxia. Identifiers: Orphanet 88644, MedGen C1853116, MONDO:0012549, OMIM 610743.

Allele frequency attached by ClinVar (database versions not stated): gnomAD exomes below 0.00001; ExAC 0.00001.
gnomAD v4.1: 2 of 1,614,066 alleles (0.00012%); highest among the groups gnomAD compares: Non-Finnish European, 0.000085%; no homozygotes.

Submissions (2):

Labcorp Genetics (formerly Invitae), Labcorp
Classification: Uncertain significance for Emery-Dreifuss muscular dystrophy 4, autosomal dominant; Autosomal recessive ataxia, Beauce type. Last evaluated: 2025-06-22. Review status: criteria provided, single submitter. Criteria: Invitae Variant Classification Sherloc (09022015). Collection method: clinical testing. Allele origin: germline.
Comment: This sequence change replaces isoleucine, which is neutral and non-polar, with valine, which is neutral and non-polar, at codon 121 of the SYNE1 protein (p.Ile121Val). The frequency data for this variant in the population databases is considered unreliable, as metrics indicate poor data quality at this position in the gnomAD database. This variant has not been reported in the literature in individuals affected with SYNE1-related conditions. ClinVar contains an entry for this variant (Variation ID: 501553). An algorithm developed to predict the effect of missense changes on protein structure and function (PolyPhen-2) suggests that this variant is likely to be tolerated. In summary, the available evidence is currently insufficient to determine the role of this variant in disease. Therefore, it has been classified as a Variant of Uncertain Significance.

Eurofins Ntd Llc (ga)
Classification: Uncertain significance. Last evaluated: 2017-04-25. Review status: criteria provided, single submitter. Criteria: EGL Classification Definitions 2015. Collection method: clinical testing. Allele origin: germline. Observed: 1 variant allele, 1 heterozygote.

NM_182961.4(SYNE1):c.340A>G (p.Ile114Val)

Gene: SYNE1 (spectrin repeat containing nuclear envelope protein 1; minus strand). Cytogenetic location: 6q25.2.
Variant type: single nucleotide variant.
Coding change: c.340A>G on transcript NM_182961.4 (MANE Select); coding-DNA position 340, A replaced by G.
Protein change: p.Ile114Val; replaces isoleucine 114 with valine.
Molecular consequence: missense variant.
Genome position (GRCh38, 1-based): chr6:152,511,073, T>C on the plus strand (A>G on the coding strand, the complement: SYNE1 is on the minus strand). VCF-style: chr6-152511073-T-C. GRCh37 (hg19) VCF-style: chr6-152832208-T-C.
Other names: c.361A>G, p.Ile121Val (NM_033071.5); short protein forms I114V, I121V.
Identifiers: ClinVar variation 501553 (VCV000501553.6), dbSNP rs752965829, ClinGen allele CA4059763.
Genomic context (GRCh38, chr6:152,511,073, plus strand): 5'-GGAAATATAGAATAATGGTCCACATCAATCCAAGAACTATTGAGGGTCGGCCATCAGCTA[T>C]ATCGGTGGAGTTAATGTTGACTAATTTAATCTGTTTAAAAAAGAGAAACTGTACTAGTAA-3'
Protein context (NP_892006.3, residues 104-124): IKLVNINSTD[Ile114Val]ADGRPSIVLG